The following is an entry in ClinVar:

ClinVar aggregate classification (germline): Uncertain significance (1 of 4 stars; one submission).

Submission:

GeneDx
Classification: Uncertain significance. Last evaluated: 2024-10-22. Review status: criteria provided, single submitter. Criteria: GeneDx Variant Classification Process June 2021. Collection method: clinical testing. Allele origin: germline. Affected: yes.
Comment: Not observed at significant frequency in large population cohorts (gnomAD); In silico analysis supports that this missense variant has a deleterious effect on protein structure/function; Has not been previously published as pathogenic or benign to our knowledge

NM_002609.4(PDGFRB):c.2668G>A (p.Gly890Arg)

Gene: PDGFRB (platelet derived growth factor receptor beta; minus strand). Cytogenetic location: 5q32.
Variant type: single nucleotide variant.
Coding change: c.2668G>A on transcript NM_002609.4 (MANE Select); coding-DNA position 2668, G replaced by A.
Protein change: p.Gly890Arg; replaces glycine 890 with arginine.
Molecular consequence: missense variant.
Genome position (GRCh38, 1-based): chr5:150,120,042, C>T on the plus strand (G>A on the coding strand, the complement: PDGFRB is on the minus strand). VCF-style: chr5-150120042-C-T. GRCh37 (hg19) VCF-style: chr5-149499605-C-T.
Other names: c.2476G>A, p.Gly826Arg (NM_001355016.2); c.2185G>A, p.Gly729Arg (NM_001355017.2); short protein forms G729R, G826R, G890R.
Identifiers: ClinVar variation 3893502 (VCV003893502.1).